The following is an entry in ClinVar:

NM_001353214.3(DYM):c.946+7G>A

Gene: DYM (dymeclin; minus strand). Cytogenetic location: 18q21.1.
Variant type: single nucleotide variant.
Coding change: c.946+7G>A on transcript NM_001353214.3 (MANE Select); 7 bases into the intron after coding-DNA position 946, G replaced by A.
Molecular consequence: intron variant.
Genome position (GRCh38, 1-based): chr18:49,286,427, C>T on the plus strand (G>A on the coding strand, the complement: DYM is on the minus strand). VCF-style: chr18-49286427-C-T. GRCh37 (hg19) VCF-style: chr18-46812797-C-T.
Other names: c.940+7G>A (NM_001374439.1, NM_001374429.1); c.943+7G>A (NM_001353211.3, NM_001353212.3, NM_001374438.1 and 3 more transcripts); c.373+7G>A (NM_001374443.1); c.376+7G>A (NM_001374444.1, NM_001374442.1, NM_001374441.1); c.718+7G>A (NM_001374440.1); c.820+7G>A (NM_001374436.1, NM_001374432.1); c.764-4252G>A (NM_001374437.1); c.946+7G>A (NM_001353216.3, NM_001374434.1, NM_017653.6 and 5 more transcripts).
Identifiers: ClinVar variation 281352 (VCV000281352.17), dbSNP rs150849326, ClinGen allele CA8958202.

ClinVar aggregate classification (germline): Conflicting classifications of pathogenicity. Review status: criteria provided, conflicting classifications (1 of 4 stars). 4 submissions from 4 submitters: Uncertain significance (1); Benign (1); Likely benign (1). 1 of the submissions does not count toward it. Last evaluated 2025-07-06.

Conditions:
DYM-related disorder. Also called: DYM-related condition.

Allele frequency attached by ClinVar (database versions not stated): gnomAD exomes 0.00008 and 0.00017; ExAC 0.00024; ESP Exome Variant Server 0.00069; gnomAD 0.00072 and 0.00076; TOPMed 0.00093; 1000 Genomes Project 30x 0.00109; 1000 Genomes Project 0.00120.
gnomAD v4.1: 223 of 1,613,902 alleles (0.014%); highest among the groups gnomAD compares: African/African-American, 0.27%; no homozygotes.

Submissions (4):

Labcorp Genetics (formerly Invitae), Labcorp
Classification: Benign. Last evaluated: 2025-07-06. Review status: criteria provided, single submitter. Criteria: Invitae Variant Classification Sherloc (09022015). Collection method: clinical testing. Allele origin: germline.

Blueprint Genetics
Classification: Likely benign. Last evaluated: 2023-07-27. Review status: criteria provided, single submitter. Criteria: ACMG Guidelines, 2015. Collection method: clinical testing. Allele origin: germline.

Eurofins Ntd Llc (ga)
Classification: Uncertain significance. Last evaluated: 2015-06-09. Review status: criteria provided, single submitter. Criteria: EGL Classification Definitions 2015. Collection method: clinical testing. Allele origin: germline. Observed: 1 variant allele, 1 heterozygote.

PreventionGenetics, part of Exact Sciences
Classification: Likely benign for DYM-related condition. Last evaluated: 2019-07-15. Review status: no assertion criteria provided. Collection method: clinical testing. Allele origin: germline. Not counted in ClinVar's aggregate classification.
Comment: This variant is classified as likely benign based on ACMG/AMP sequence variant interpretation guidelines (Richards et al. 2015 PMID: 25741868, with internal and published modifications).